The following is an entry in ClinVar:

ClinVar aggregate classification (germline): Pathogenic (1 of 4 stars; one submission).

Conditions:
Intellectual developmental disorder with speech delay, autism, and dysmorphic facies. Identifiers: MedGen C5231456, MONDO:0032864, OMIM 618672.

Submission:

Institute of Human Genetics, University of Leipzig Medical Center
Classification: Pathogenic for Intellectual developmental disorder with speech delay, autism, and dysmorphic facies. Last evaluated: 2025-03-04. Review status: criteria provided, single submitter. Criteria: ACMG Guidelines, 2015. Collection method: clinical testing. Allele origin: unknown. Inheritance: Autosomal dominant inheritance. Affected: yes.
Comment: Criteria applied: PVS1,PM2

NM_014516.4(CNOT3):c.1892_1893del (p.Asp630_Ser631insTer)

Gene: CNOT3 (CCR4-NOT transcription complex subunit 3; plus strand). Cytogenetic location: 19q13.42.
Variant type: Microsatellite.
Coding change: c.1892_1893del on transcript NM_014516.4 (MANE Select); coding-DNA positions 1892 to 1893, 2 bases deleted (CT; older notation c.1892_1893delCT).
Protein change: p.Asp630_Ser631insTer.
Molecular consequence: nonsense.
Genome position (GRCh38, 1-based): chr19:54,152,614-54,152,615, CT deleted; deleting any 2 consecutive bases within chr19:54,152,612-54,152,615 gives the same sequence; the c. name uses the placement nearest the transcript's 3' end. VCF-style (leftmost placement, unchanged base first): chr19-54152611-ACT-A. GRCh37 (hg19) VCF-style: chr19-54656348-ACT-A.
Identifiers: ClinVar variation 3385389 (VCV003385389.3).
Genomic context (GRCh38, chr19:54,152,611, plus strand): 5'-AGCAGCTCTATCAGCAGGCCATGGAAGAGGCCGCCTGGCACCACATGCCTCACCCCTCTG[ACT>A]CTGAGCGTATTCGGTGAGGGGCCACAGGGAAGGGGGATGGTCTGGGACTTGAGTCTTACG-3'